The following is an entry in ClinVar:

ClinVar aggregate classification (germline): Uncertain significance (1 of 4 stars; one submission).

Conditions:
PGM1-congenital disorder of glycosylation. Also called: Congenital disorder of glycosylation type 1t; PHOSPHOGLUCOMUTASE 1 DEFICIENCY; PGM1 DEFICIENCY; GLYCOGEN STORAGE DISEASE XIV; CDG It; GSD XIV. Identifiers: Orphanet 319646, MedGen C2752015, MONDO:0013968, OMIM 614921.

Submission:

Labcorp Genetics (formerly Invitae), Labcorp
Classification: Uncertain significance for PGM1-congenital disorder of glycosylation. Last evaluated: 2023-09-08. Review status: criteria provided, single submitter. Criteria: Invitae Variant Classification Sherloc (09022015). Collection method: clinical testing. Allele origin: germline.
Comment: In summary, the available evidence is currently insufficient to determine the role of this variant in disease. Therefore, it has been classified as a Variant of Uncertain Significance. An algorithm developed to predict the effect of missense changes on protein structure and function (PolyPhen-2) suggests that this variant is likely to be disruptive. This variant has not been reported in the literature in individuals affected with PGM1-related conditions. This variant is present in population databases (no rsID available, gnomAD 0.0004%). This sequence change replaces glycine, which is neutral and non-polar, with leucine, which is neutral and non-polar, at codon 89 of the PGM1 protein (p.Gly89Leu).

NM_002633.3(PGM1):c.265_266delinsTT (p.Gly89Leu)

Gene: PGM1 (phosphoglucomutase 1; plus strand). Cytogenetic location: 1p31.3.
Variant type: Indel.
Coding change: c.265_266delinsTT on transcript NM_002633.3 (MANE Select); coding-DNA positions 265 to 266, GG replaced by TT.
Protein change: p.Gly89Leu; replaces glycine 89 with leucine.
Molecular consequence: missense variant. On other transcripts: 5 prime UTR variant (1).
Genome position (GRCh38, 1-based): chr1:63,629,443-63,629,444, GG replaced by TT. VCF-style: chr1-63629443-GG-TT. GRCh37 (hg19) VCF-style: chr1-64095114-GG-TT.
Other names: c.319_320delinsTT, p.Gly107Leu (NM_001172818.1); c.-327_-326delinsTT (NM_001172819.2); short protein forms G107L, G89L.
Identifiers: ClinVar variation 2724529 (VCV002724529.1), dbSNP rs2523874863, ClinGen allele CA2697552464.